The following is an entry in ClinVar:

ClinVar aggregate classification (germline): Uncertain significance. Review status: criteria provided, multiple submitters, no conflicts (2 of 4 stars). 4 submissions from 4 submitters: Uncertain significance (4). Last evaluated 2021-11-01.

Conditions:
Polycystic kidney disease, adult type (PKD1). Also called: POLYCYSTIC KIDNEY DISEASE, ADULT, TYPE I; Polycystic Kidney, Autosomal Dominant; POLYCYSTIC KIDNEY DISEASE 1 WITH OR WITHOUT POLYCYSTIC LIVER DISEASE; Polycystic Kidney Disease 1, Autosomal Dominant; Polycystic kidney disease 1; Polycystic kidney disease 1, severe. Identifiers: MedGen C3149841, MONDO:0008263, OMIM 173900.

Allele frequency attached by ClinVar (database versions not stated): gnomAD 0.00001; gnomAD exomes 0.00001; TOPMed 0.00001.
gnomAD v4.1: 22 of 1,610,646 alleles (0.0014%); highest among the groups gnomAD compares: South Asian, 0.0044%; no homozygotes.

Submissions (4):

Fulgent Genetics
Classification: Uncertain significance for Polycystic kidney disease, adult type. Last evaluated: 2021-11-01. Review status: criteria provided, single submitter. Criteria: ACMG Guidelines, 2015. Collection method: clinical testing. Allele origin: unknown.

Blueprint Genetics
Classification: Uncertain significance. Last evaluated: 2021-10-08. Review status: criteria provided, single submitter. Criteria: ACMG Guidelines, 2015. Collection method: clinical testing. Allele origin: germline.

Johns Hopkins Genomics, Johns Hopkins University
Classification: Uncertain significance for Polycystic kidney disease, adult type. Last evaluated: 2020-02-20. Review status: criteria provided, single submitter. Criteria: ACMG Guidelines, 2015. Collection method: clinical testing. Allele origin: germline.
Comment: This variant (rs1474271392) is rare (<0.1%) in a large population dataset (gnomAD: 2/247870 total alleles; 0.00081%; no homozygotes) and has not been reported in ClinVar, to our knowledge. PKD1 c.4057G>A is located within the PKD repeat domain, however, the importance of this region is unclear at this time. Three bioinformatic tools queried predict that this substitution would be damaging, and the glycine residue at this position is highly evolutionarily conserved across all species assessed. Due to insufficient evidence that this variant is deleterious, we consider the clinical significance of c.4057G>A to be uncertain at this time.

Neuberg Centre For Genomic Medicine, NCGM
Classification: Uncertain significance for Polycystic kidney disease, adult type. Review status: criteria provided, single submitter. Criteria: ACMG Guidelines, 2015. Collection method: clinical testing. Allele origin: germline. Affected: yes.
Comment: The missense variant p.G1353S in PKD1 (NM_001009944.3) has been previously reported in an individual with ADPKD and classified as Likley Pathogenic by the authors (Carrera P et al,2016). The missense variant c.4057G>A (p.G1353S) in PKD1 (NM_001009944.3) is observed in 1/15916 (0.0063%) alleles from individuals of African background in the gnomAD dataset (Exome Aggregation Consortium et al., 2016), but was not seen in the homozygous state. The variant has been submitted to ClinVar as Uncertain Significance. The p.G1353S missense variant is predicted to be damaging by both SIFT and PolyPhen2. The glycine residue at codon 1353 of PKD1 is conserved in all mammalian species. The nucleotide c.4057 in PKD1 is predicted conserved by GERP++ and PhyloP across 100 vertebrates. In the absence of functional studies and the presence of the variant in only one affected individual, it has been classified as Uncertain Significance

Literature cited by the submitters: PubMed 12633844 (cited by Johns Hopkins Genomics, Johns Hopkins University); PubMed 27499327 (cited by Johns Hopkins Genomics, Johns Hopkins University).

NM_001009944.3(PKD1):c.4057G>A (p.Gly1353Ser)

Gene: PKD1 (polycystin 1, transient receptor potential channel interacting; minus strand). Cytogenetic location: 16p13.3.
Variant type: single nucleotide variant.
Coding change: c.4057G>A on transcript NM_001009944.3 (MANE Select); coding-DNA position 4057, G replaced by A.
Protein change: p.Gly1353Ser; replaces glycine 1353 with serine.
Molecular consequence: missense variant.
Genome position (GRCh38, 1-based): chr16:2,111,110, C>T on the plus strand (G>A on the coding strand, the complement: PKD1 is on the minus strand). VCF-style: chr16-2111110-C-T. GRCh37 (hg19) VCF-style: chr16-2161111-C-T.
Other names: c.4057G>A, p.Gly1353Ser (NM_000296.4); short protein forms G1353S.
Identifiers: ClinVar variation 973895 (VCV000973895.5), dbSNP rs1474271392, ClinGen allele CA394381692.
Genomic context (GRCh38, chr16:2,111,110, plus strand): 5'-TGGTGAAGTAATGCGCCCTGTTCACGCGGCTGGACAGCACCAGCGCCAGGGGGAACGTGC[C>T]GCTCCGCGTGAAGTTGTGTGTCACCGTCGGGCACCCCCGCACGGTCGTGTTGGAGGAGCC-3'
Protein context (NP_001009944.3, residues 1343-1363): PTVTHNFTRS[Gly1353Ser]TFPLALVLSS